The following is an entry in ClinVar:

ClinVar aggregate classification (germline): Uncertain significance (1 of 4 stars; one submission).

Conditions:
T-cell immunodeficiency, congenital alopecia, and nail dystrophy. Also called: Congenital alopecia and nail dystrophy associated with severe functional T-cell immunodeficiency; Pignata Guarino syndrome. Identifiers: Orphanet 169095, MedGen C1866426, MONDO:0011132, OMIM 601705.

Submission:

Labcorp Genetics (formerly Invitae), Labcorp
Classification: Uncertain significance for T-cell immunodeficiency, congenital alopecia, and nail dystrophy. Last evaluated: 2023-05-24. Review status: criteria provided, single submitter. Criteria: Invitae Variant Classification Sherloc (09022015). Collection method: clinical testing. Allele origin: germline.
Comment: ClinVar contains an entry for this variant (Variation ID: 844530). This sequence change replaces serine, which is neutral and polar, with tyrosine, which is neutral and polar, at codon 324 of the FOXN1 protein (p.Ser324Tyr). This variant is not present in population databases (gnomAD no frequency). This variant has not been reported in the literature in individuals affected with FOXN1-related conditions. Advanced modeling of protein sequence and biophysical properties (such as structural, functional, and spatial information, amino acid conservation, physicochemical variation, residue mobility, and thermodynamic stability) has been performed at Invitae for this missense variant, however the output from this modeling did not meet the statistical confidence thresholds required to predict the impact of this variant on FOXN1 protein function. In summary, the available evidence is currently insufficient to determine the role of this variant in disease. Therefore, it has been classified as a Variant of Uncertain Significance.

NM_001369369.1(FOXN1):c.971C>A (p.Ser324Tyr)

Gene: FOXN1 (forkhead box N1; plus strand). Cytogenetic location: 17q11.2.
Variant type: single nucleotide variant.
Coding change: c.971C>A on transcript NM_001369369.1 (MANE Select); coding-DNA position 971, C replaced by A.
Protein change: p.Ser324Tyr; replaces serine 324 with tyrosine.
Molecular consequence: missense variant.
Genome position (GRCh38, 1-based): chr17:28,534,374, C>A. VCF-style: chr17-28534374-C-A. GRCh37 (hg19) VCF-style: chr17-26861392-C-A.
Other names: c.971C>A, p.Ser324Tyr (NM_003593.3); short protein forms S324Y.
Identifiers: ClinVar variation 844530 (VCV000844530.7), dbSNP rs2069995589, ClinGen allele CA398324511.